The following is an entry in ClinVar:

ClinVar aggregate classification (germline): Conflicting classifications of pathogenicity. Review status: criteria provided, conflicting classifications (1 of 4 stars). 3 submissions from 3 submitters: Uncertain significance (1); Benign (1); Likely benign (1). Last evaluated 2025-12-19.

Conditions:
atypical cerebral palsy.

Allele frequency attached by ClinVar (database versions not stated): 1000 Genomes Project 0.00200; 1000 Genomes Project 30x 0.00203; gnomAD exomes 0.00360 and 0.00604; ESP Exome Variant Server 0.00409; ExAC 0.00430; gnomAD 0.00433 and 0.00449; TOPMed 0.00437.
gnomAD v4.1: 9,407 of 1,609,084 alleles (0.58%); highest among the groups gnomAD compares: Non-Finnish European, 0.72%; 42 homozygotes.

Submissions (3):

Labcorp Genetics (formerly Invitae), Labcorp
Classification: Benign. Last evaluated: 2025-12-19. Review status: criteria provided, single submitter. Criteria: Invitae Variant Classification Sherloc (09022015). Collection method: clinical testing. Allele origin: germline.

CeGaT Center for Human Genetics Tuebingen
Classification: Likely benign. Last evaluated: 2023-11-01. Review status: criteria provided, single submitter. Criteria: CeGaT Center For Human Genetics Tuebingen Variant Classification Criteria Version 2. Collection method: clinical testing. Allele origin: germline. Affected: yes. Observed: 3 variant alleles.
Comment: DGKZ: BS2

TIDEX, University of British Columbia
Classification: Uncertain significance for atypical cerebral palsy. Review status: criteria provided, single submitter. Criteria: ACMG Guidelines, 2015. Collection method: research. Allele origin: paternal. Inheritance: Autosomal recessive inheritance. Affected: yes.

NM_001199267.2(DGKZ):c.2660C>G (p.Thr887Arg)

Gene: DGKZ (diacylglycerol kinase zeta; plus strand). Cytogenetic location: 11p11.2.
Variant type: single nucleotide variant.
Coding change: c.2660C>G on transcript NM_001199267.2 (MANE Select); coding-DNA position 2660, C replaced by G.
Protein change: p.Thr887Arg; replaces threonine 887 with arginine.
Molecular consequence: missense variant.
Genome position (GRCh38, 1-based): chr11:46,379,558, C>G. VCF-style: chr11-46379558-C-G. GRCh37 (hg19) VCF-style: chr11-46401108-C-G.
Other names: c.3227C>G, p.Thr1076Arg (NM_001105540.2); c.2678C>G, p.Thr893Arg (NM_001199266.2); c.2594C>G, p.Thr865Arg (NM_001199268.2); c.2663C>G, p.Thr888Arg (NM_003646.4); c.2711C>G, p.Thr904Arg (NM_201532.3); c.2675C>G, p.Thr892Arg (NM_201533.3); short protein forms T1076R, T904R, T887R, T892R, T893R, T865R, T888R.
Identifiers: ClinVar variation 431729 (VCV000431729.34), dbSNP rs76583617, ClinGen allele CA5963384.